The following is an entry in ClinVar:

NM_152443.3(RDH12):c.698_699delinsAA (p.Val233Glu)

Genes: GPHN (gephyrin; plus strand), RDH12 (retinol dehydrogenase 12; plus strand), ZFYVE26 (zinc finger FYVE-type containing 26; minus strand). Cytogenetic location: 14q24.1.
Variant type: Indel.
Coding change: c.698_699delinsAA on transcript NM_152443.3 (MANE Select); coding-DNA positions 698 to 699, TC replaced by AA.
Protein change: p.Val233Glu; replaces valine 233 with glutamic acid.
Molecular consequence: missense variant.
Genome position (GRCh38, 1-based): chr14:67,729,230-67,729,231, TC replaced by AA. VCF-style: chr14-67729230-TC-AA. GRCh37 (hg19) VCF-style: chr14-68195947-TC-AA.
Other names: c.698_699delTCinsAA (NM_152443.2); short protein forms V233E.
Identifiers: ClinVar variation 837228 (VCV000837228.15), dbSNP rs2038232911, ClinGen allele CA916083383.

ClinVar aggregate classification (germline): Pathogenic/Likely pathogenic. Review status: criteria provided, multiple submitters, no conflicts (2 of 4 stars). 5 submissions from 5 submitters: Pathogenic (4); Likely pathogenic (1). Last evaluated 2025-09-01.

Conditions:
RDH12-related disorder. Also called: RDH12-related disorders; RDH12-related condition.
Leber congenital amaurosis (LCA). Also called: Leber's amaurosis. Identifiers: Orphanet 65, MedGen C0339527, MeSH D057130, MONDO:0018998.
Leber congenital amaurosis 13 (LCA13). Identifiers: MedGen C2675186, MONDO:0012990, OMIM 612712.

Submissions (5):

Labcorp Genetics (formerly Invitae), Labcorp
Classification: Pathogenic for Leber congenital amaurosis 13. Last evaluated: 2025-09-01. Review status: criteria provided, single submitter. Criteria: Invitae Variant Classification Sherloc (09022015). Collection method: clinical testing. Allele origin: germline.
Comment: This sequence change replaces valine, which is neutral and non-polar, with glutamic acid, which is acidic and polar, at codon 233 of the RDH12 protein (p.Val233Glu). This variant is present in population databases (no rsID available, gnomAD 0.001%). This missense change has been observed in individual(s) with autosomal recessive early-onset retinal dystrophy and/or autosomal recessive retinitis pigmentosa (PMID: 32865313; internal data). In at least one individual the data is consistent with being in trans (on the opposite chromosome) from a pathogenic variant. ClinVar contains an entry for this variant (Variation ID: 837228). An algorithm developed to predict the effect of missense changes on protein structure and function (PolyPhen-2) suggests that this variant is likely to be disruptive. This variant disrupts the p.Val233 amino acid residue in RDH12. Other variant(s) that disrupt this residue have been determined to be pathogenic (PMID: 25910913, 29178642, 30372751). This suggests that this residue is clinically significant, and that variants that disrupt this residue are likely to be disease-causing. For these reasons, this variant has been classified as Pathogenic.

Natera, Inc.
Classification: Pathogenic for Leber congenital amaurosis. Last evaluated: 2025-05-20. Review status: criteria provided, single submitter. Criteria: Natera Variant Classification Schema (03/2026). Collection method: clinical testing. Allele origin: germline.
Comment: The c.698_699delTCinsAA variant in RDH12 is a deletion-insertion (delins) variant predicted to replace one or more nucleotides with a different sequence. This variant is rare in the general population with a frequency below the threshold expected for the associated phenotype(s). This variant has been observed in one or more individuals affected with the associated recessive disease, as either homozygous or compound heterozygous with a second variant (PMID: 37714431). A different variant at the same position has been determined to be Pathogenic or Likely Pathogenic. Given the available evidence, this variant is classified as Pathogenic.

Women's Health and Genetics/Laboratory Corporation of America, LabCorp
Classification: Pathogenic for Leber congenital amaurosis. Last evaluated: 2025-04-22. Review status: criteria provided, single submitter. Criteria: LabCorp Variant Classification Summary - May 2015. Collection method: clinical testing. Allele origin: germline.
Comment: Variant summary: RDH12 c.698_699delinsAA (p.Val233Glu) is a multinucleotide variant combination of 14-68195947-T-A (c.698T>A, p.Val233Asp) and 14-68195948-C-A (c.699C>A, p.Val233=) that results in a non-conservative amino acid change in the encoded protein sequence. Four of five in-silico tools predict a damaging effect of the variant on protein function. The variant allele was found at a frequency of 1.2e-05 in 248938 control chromosomes. c.698_699delinsAA has been observed as a biallelic genotype in multiple individuals affected with features of Leber Congenital Amaurosis, specifically autosomal recessive early-onset retinal dystrophy and/or autosomal recessive retinitis pigmentosa (example, Sodi_2010, Sallum_2020, internal data). These data indicate that the variant is very likely to be associated with disease. The component variant affecting the same codon has been classified as pathogenic by our lab (c.698T>A, p.Val233Asp), supporting the critical relevance of codon 233 to RDH12 protein function. To our knowledge, no experimental evidence demonstrating an impact on protein function has been reported. The following publications have been ascertained in the context of this evaluation (PMID: 32865313, 20736127). ClinVar contains an entry for this variant (Variation ID: 837228). Based on the evidence outlined above, the variant was classified as pathogenic.

PreventionGenetics, part of Exact Sciences
Classification: Likely pathogenic for RDH12-related condition. Last evaluated: 2025-01-06. Review status: criteria provided, single submitter. Criteria: ACMG Guidelines, 2015. Collection method: clinical testing. Allele origin: germline.
Comment: The RDH12 c.698_699delinsAA variant is predicted to result in an in-frame deletion and insertion. This alteration was reported as a homozygous variant in a patient with early onset retinal dystrophy (Sallum et al. 2020. PubMed ID: 32865313). Alternate substitutions of this amino acid (p.Val233Leu, p.Val233Asp, p.Val233Ile, and p.Val233Phe) have also been reported in individuals with retinal disease (Mackay et al. 2011. PubMed ID: 22065924; Lee et al. 2015. PubMed ID: 25910913; Table S1, Thompson et al. 2017. PubMed ID: 29178642; Coppieters et al. 2010. PubMed ID: 20683928; Panneman et al. 2023. PubMed ID: 36819107; Scott et al. 2020. PubMed ID: 32014858; Table S4, Jespersgaard et al. 2019. PubMed ID: 30718709). This variant has not been reported in a large population database (gnomAD), indicating this variant is rare. This variant is interpreted as likely pathogenic.

Blueprint Genetics
Classification: Pathogenic for RDH12-related disorders. Last evaluated: 2022-11-17. Review status: criteria provided, single submitter. Criteria: ACMG Guidelines, 2015. Collection method: clinical testing. Allele origin: germline. Affected: yes. Observed: 3 variant alleles.

Literature cited by the submitters: PubMed 32865313 (cited by Labcorp Genetics (formerly Invitae), Labcorp and Women's Health and Genetics/Laboratory Corporation of America, LabCorp); PubMed 25910913 (cited by Labcorp Genetics (formerly Invitae), Labcorp); PubMed 29178642 (cited by Labcorp Genetics (formerly Invitae), Labcorp); PubMed 30372751 (cited by Labcorp Genetics (formerly Invitae), Labcorp); PubMed 37714431 (cited by Natera, Inc.); PubMed 20736127 (cited by Women's Health and Genetics/Laboratory Corporation of America, LabCorp).